The following is an entry in ClinVar:

NM_007194.4(CHEK2):c.908+18T>C

Gene: CHEK2 (checkpoint kinase 2; minus strand). Cytogenetic location: 22q12.1.
Variant type: single nucleotide variant.
Coding change: c.908+18T>C on transcript NM_007194.4 (MANE Select); 18 bases into the intron after coding-DNA position 908, T replaced by C.
Molecular consequence: intron variant.
Genome position (GRCh38, 1-based): chr22:28,703,487, A>G on the plus strand (T>C on the coding strand, the complement: CHEK2 is on the minus strand). VCF-style: chr22-28703487-A-G. GRCh37 (hg19) VCF-style: chr22-29099475-A-G.
Other names: c.245+18T>C (NM_001437942.1, NM_001257387.3); c.707+18T>C (NM_001349956.3); c.908+18T>C (NM_145862.3); c.1001+18T>C (NM_001438295.1, NM_001438293.1); c.1037+18T>C (NM_001438294.1, NM_001005735.3).
Identifiers: ClinVar variation 388237 (VCV000388237.9), dbSNP rs755416802, ClinGen allele CA16609085.

ClinVar aggregate classification (germline): Likely benign. Review status: criteria provided, multiple submitters, no conflicts (2 of 4 stars). 2 submissions from 2 submitters: Likely benign (2). Last evaluated 2025-03-19.

Conditions:
Familial cancer of breast. Also called: Hereditary breast cancer; hereditary breast carcinoma; BREAST CANCER, FAMILIAL. Identifiers: Orphanet 227535, MedGen C0346153, MONDO:0016419, OMIM 114480. Disease mechanism: loss of function.

gnomAD v4.1: 13 of 1,263,050 alleles (0.001%); highest among the groups gnomAD compares: Non-Finnish European, 0.0014%; no homozygotes.

Submissions (2):

Labcorp Genetics (formerly Invitae), Labcorp
Classification: Likely benign for Familial cancer of breast. Last evaluated: 2025-03-19. Review status: criteria provided, single submitter. Criteria: Invitae Variant Classification Sherloc (09022015). Collection method: clinical testing. Allele origin: germline.

GeneDx
Classification: Likely benign. Last evaluated: 2016-07-26. Review status: criteria provided, single submitter. Criteria: GeneDx Variant Classification (06012015). Collection method: clinical testing. Allele origin: germline. Affected: yes.
Comment: This variant is considered likely benign or benign based on one or more of the following criteria: it is a conservative change, it occurs at a poorly conserved position in the protein, it is predicted to be benign by multiple in silico algorithms, and/or has population frequency not consistent with disease.